The following is an entry in ClinVar:

NM_000368.5(TSC1):c.2392-12C>T

Gene: TSC1 (TSC complex subunit 1; minus strand). Cytogenetic location: 9q34.13.
Variant type: single nucleotide variant.
Coding change: c.2392-12C>T on transcript NM_000368.5 (MANE Select); 12 bases into the intron before coding-DNA position 2392, C replaced by T.
Molecular consequence: intron variant.
Genome position (GRCh38, 1-based): chr9:132,901,711, G>A on the plus strand (C>T on the coding strand, the complement: TSC1 is on the minus strand). VCF-style: chr9-132901711-G-A. GRCh37 (hg19) VCF-style: chr9-135777098-G-A.
Other names: c.2374-12C>T (NM_001406603.1, NM_001406604.1); c.2389-12C>T (NM_001406609.1, NM_001406597.1, NM_001406600.1 and 4 more transcripts); c.2377-12C>T (NM_001406602.1, NM_001406601.1); c.2392-12C>T (NM_001406606.1, NM_001406592.1, NM_001406595.1 and 5 more transcripts); c.2029-12C>T (NM_001406619.1, NM_001362177.2, NM_001406614.1 and 5 more transcripts); c.2026-12C>T (NM_001406622.1, NM_001406623.1, NM_001406620.1 and 2 more transcripts); c.2236-12C>T (NM_001406611.1, NM_001406613.1, NM_001406612.1); c.2239-12C>T (NM_001162427.2, NM_001406610.1); and 3 more.
Identifiers: ClinVar variation 3671231 (VCV003671231.3).

ClinVar aggregate classification (germline): Likely benign. Review status: criteria provided, multiple submitters, no conflicts (2 of 4 stars). 2 submissions from 2 submitters: Likely benign (2). Last evaluated 2025-12-14.

Conditions:
Tuberous sclerosis 1 (TSC1). Identifiers: Orphanet 805, MedGen C1854465, MONDO:0008612, OMIM 191100.

gnomAD v4.1: 1 of 1,613,150 alleles (0.000062%); highest among the groups gnomAD compares: African/African-American, 0.0013%; no homozygotes.

Submissions (2):

Labcorp Genetics (formerly Invitae), Labcorp
Classification: Likely benign for Tuberous sclerosis 1. Last evaluated: 2025-12-14. Review status: criteria provided, single submitter. Criteria: Invitae Variant Classification Sherloc (09022015). Collection method: clinical testing. Allele origin: germline.

Myriad Genetics, Inc.
Classification: Likely benign for Tuberous sclerosis 1. Last evaluated: 2025-04-25. Review status: criteria provided, single submitter. Criteria: Myriad Autosomal Dominant, Autosomal Recessive and X-Linked Classification Criteria (2023). Collection method: clinical testing. Allele origin: unknown.
Comment: This variant is considered likely benign. This variant is intronic and is not expected to impact mRNA splicing.